The following is an entry in ClinVar:

NM_002430.3(MN1):c.3849C>T (p.Val1283=)

Gene: MN1 (MN1 proto-oncogene, transcriptional regulator; minus strand). Cytogenetic location: 22q12.1.
Variant type: single nucleotide variant.
Coding change: c.3849C>T on transcript NM_002430.3 (MANE Select); coding-DNA position 3849, C replaced by T.
Protein change: p.Val1283=; no amino-acid change (valine 1283 retained).
Molecular consequence: synonymous variant.
Genome position (GRCh38, 1-based): chr22:27,751,029, G>A on the plus strand (C>T on the coding strand, the complement: MN1 is on the minus strand). VCF-style: chr22-27751029-G-A. GRCh37 (hg19) VCF-style: chr22-28147017-G-A.
Identifiers: ClinVar variation 3045067 (VCV003045067.2), dbSNP rs373855008, ClinGen allele CA10165951.

ClinVar aggregate classification (germline): Likely benign (0 of 4 stars; one submission).

Conditions:
MN1-related disorder. Also called: MN1-related condition.

Allele frequency attached by ClinVar (database versions not stated): gnomAD exomes 0.00001; ExAC 0.00002; gnomAD 0.00002; TOPMed 0.00003; ESP Exome Variant Server 0.00008.
gnomAD v4.1: 22 of 1,609,744 alleles (0.0014%); highest among the groups gnomAD compares: Non-Finnish European, 0.0019%; no homozygotes.

Submission:

PreventionGenetics, part of Exact Sciences
Classification: Likely benign for MN1-related condition. Last evaluated: 2019-11-19. Review status: no assertion criteria provided. Collection method: clinical testing. Allele origin: germline.
Comment: This variant is classified as likely benign based on ACMG/AMP sequence variant interpretation guidelines (Richards et al. 2015 PMID: 25741868, with internal and published modifications).